The following is an entry in ClinVar:

NM_004370.6(COL12A1):c.7109A>G (p.Asp2370Gly)

Genes: COL12A1 (collagen type XII alpha 1 chain; minus strand), LOC126859712 (MED14-independent group 3 enhancer GRCh37_chr6:75828643-75829842; plus strand). Cytogenetic location: 6q13.
Variant type: single nucleotide variant.
Coding change: c.7109A>G on transcript NM_004370.6 (MANE Select); coding-DNA position 7109, A replaced by G.
Protein change: p.Asp2370Gly; replaces aspartic acid 2370 with glycine.
Molecular consequence: missense variant.
Genome position (GRCh38, 1-based): chr6:75,119,451, T>C on the plus strand (A>G on the coding strand, the complement: COL12A1 is on the minus strand). VCF-style: chr6-75119451-T-C. GRCh37 (hg19) VCF-style: chr6-75829167-T-C.
Other names: c.7109A>G, p.Asp2370Gly (NM_001424113.1); c.7088A>G, p.Asp2363Gly (NM_001424114.1); c.6836A>G, p.Asp2279Gly (NM_001424115.1); c.3617A>G, p.Asp1206Gly (NM_001424116.1, NM_080645.3); short protein forms D1206G, D2279G, D2363G, D2370G.
Identifiers: ClinVar variation 3756779 (VCV003756779.2).

ClinVar aggregate classification (germline): Uncertain significance (1 of 4 stars; one submission).

Conditions:
Ullrich congenital muscular dystrophy 2 (UCMD2). Identifiers: Orphanet 75840, MedGen C4225314, MONDO:0014654, OMIM 616470.
Bethlem myopathy 2 (BTHLM2). Identifiers: Orphanet 536516, Orphanet 610, MedGen C4225313, MONDO:0034022, OMIM 616471.

gnomAD v4.1: 1 of 1,613,242 alleles (0.000062%); no homozygotes.

Submission:

Labcorp Genetics (formerly Invitae), Labcorp
Classification: Uncertain significance for Bethlem myopathy 2; Ullrich congenital muscular dystrophy 2. Last evaluated: 2024-06-11. Review status: criteria provided, single submitter. Criteria: Invitae Variant Classification Sherloc (09022015). Collection method: clinical testing. Allele origin: germline.
Comment: This sequence change replaces aspartic acid, which is acidic and polar, with glycine, which is neutral and non-polar, at codon 2370 of the COL12A1 protein (p.Asp2370Gly). This variant is not present in population databases (gnomAD no frequency). This variant has not been reported in the literature in individuals affected with COL12A1-related conditions. Advanced modeling of protein sequence and biophysical properties (such as structural, functional, and spatial information, amino acid conservation, physicochemical variation, residue mobility, and thermodynamic stability) has been performed at Invitae for this missense variant, however the output from this modeling did not meet the statistical confidence thresholds required to predict the impact of this variant on COL12A1 protein function. In summary, the available evidence is currently insufficient to determine the role of this variant in disease. Therefore, it has been classified as a Variant of Uncertain Significance.